The following is an entry in ClinVar:

NM_001270508.2(TNFAIP3):c.36G>C (p.Leu12Phe)

Gene: TNFAIP3 (TNF alpha induced protein 3; plus strand). Cytogenetic location: 6q23.3.
Variant type: single nucleotide variant.
Coding change: c.36G>C on transcript NM_001270508.2 (MANE Select); coding-DNA position 36, G replaced by C.
Protein change: p.Leu12Phe; replaces leucine 12 with phenylalanine.
Molecular consequence: missense variant.
Genome position (GRCh38, 1-based): chr6:137,871,263, G>C. VCF-style: chr6-137871263-G-C. GRCh37 (hg19) VCF-style: chr6-138192400-G-C.
Other names: c.36G>C, p.Leu12Phe (NM_001270507.2, NM_006290.4); short protein forms L12F.
Identifiers: ClinVar variation 3611472 (VCV003611472.2).

ClinVar aggregate classification (germline): Uncertain significance (1 of 4 stars; one submission).

gnomAD v4.1: 3 of 1,613,190 alleles (0.00019%); highest among the groups gnomAD compares: Admixed American, 0.0033%; no homozygotes.

Submission:

Labcorp Genetics (formerly Invitae), Labcorp
Classification: Uncertain significance. Last evaluated: 2025-08-06. Review status: criteria provided, single submitter. Criteria: Invitae Variant Classification Sherloc (09022015). Collection method: clinical testing. Allele origin: germline.
Comment: This sequence change replaces leucine, which is neutral and non-polar, with phenylalanine, which is neutral and non-polar, at codon 12 of the TNFAIP3 protein (p.Leu12Phe). This variant is present in population databases (no rsID available, gnomAD 0.006%). This variant has not been reported in the literature in individuals affected with TNFAIP3-related conditions. ClinVar contains an entry for this variant (Variation ID: 3611472). Invitae Evidence Modeling of protein sequence and biophysical properties (such as structural, functional, and spatial information, amino acid conservation, physicochemical variation, residue mobility, and thermodynamic stability) indicates that this missense variant is not expected to disrupt TNFAIP3 protein function with a negative predictive value of 80%. In summary, the available evidence is currently insufficient to determine the role of this variant in disease. Therefore, it has been classified as a Variant of Uncertain Significance.